The following continues an entry in ClinVar:

NM_002834.5(PTPN11):c.215C>G (p.Ala72Gly)

Gene: PTPN11. ClinVar aggregate classification (germline): Pathogenic/Likely pathogenic. Pathogenic (19); Likely pathogenic (1). ClinVar aggregate classification (oncogenicity): Uncertain significance.

Submissions 6 to 22 of 24:

Victorian Clinical Genetics Services, Murdoch Childrens Research Institute
Classification: Pathogenic for Noonan syndrome 1. Last evaluated: 2023-07-17. Review status: criteria provided, single submitter. Criteria: ACMG Guidelines, 2015. Collection method: clinical testing. Allele origin: germline. Inheritance: Autosomal dominant inheritance. Affected: yes.
Comment: Based on the classification scheme VCGS_Germline_v1.3.4, this variant is classified as Pathogenic. Following criteria are met: 0103 - Both loss of function and gain of function are known mechanisms of disease for this gene. Metachondromatosis (MIM#156250) and Noonan syndrome with multiple lentigines have been associated with loss of function variants, whereas Noonan syndrome 1 (MIM#163950) is caused by gain of function variants (PMIDs: 11992261, 24935154, 21533187). (I) 0107 - This gene is known to be associated with autosomal dominant disease. (I) 0115 - Variants in this gene are known to have variable expressivity (PMID: 20301303). (I) 0200 - Variant is predicted to result in a missense amino acid change from alanine to glycine. (I) 0251 - This variant is heterozygous. (I) 0301 - Variant is absent from gnomAD (both v2 and v3). (SP) 0502 - Missense variant with conflicting in silico predictions and uninformative conservation. (I) 0602 - Variant is located in a hotspot region or cluster of pathogenic variants (DECIPHER). (SP) 0801 - This variant has strong previous evidence of pathogenicity in unrelated individuals. This variant has been classified as pathogenic by multiple clinical laboratories in ClinVar and has been observed in individuals with Noonan syndrome (PMID: 21784453). (SP) 1208 - Inheritance information for this variant is not currently available in this individual. (I) Legend: (SP) - Supporting pathogenic, (I) - Information, (SB) - Supporting benign

Institute of Medical Genetics and Applied Genomics, University Hospital Tübingen
Classification: Pathogenic for Noonan syndrome 1. Last evaluated: 2023-07-14. Review status: criteria provided, single submitter. Criteria: ACMG Guidelines, 2015. Collection method: clinical testing. Allele origin: germline. Inheritance: Autosomal dominant inheritance. Affected: yes.

3billion
Classification: Pathogenic for Noonan syndrome 1. Last evaluated: 2023-07-05. Review status: criteria provided, single submitter. Criteria: ACMG Guidelines, 2015. Collection method: clinical testing. Allele origin: germline. Affected: yes.
Comment: The variant is not observed in the gnomAD v2.1.1 dataset. Predicted Consequence/Location: The variant is located in a mutational hot spot and/or well-established functional domain in which established pathogenic variants have been reported. Missense changes are a common disease-causing mechanism. In silico tool predictions suggest damaging effect of the variant on gene or gene product (REVEL: 0.92; 3Cnet: 0.97). Same nucleotide change resulting in same amino acid change has been previously reported as pathogenic/likely pathogenic with strong evidence (ClinVar ID: VCV000013325 /PMID: 11704759). Different missense changes at the same codon (p.Ala72Asp, p.Ala72Pro, p.Ala72Ser, p.Ala72Thr, p.Ala72Val) have been reported as pathogenic/likely pathogenic with strong evidence (ClinVar ID: VCV000013324, VCV000040500, VCV000041443, VCV000177754, VCV000376511 /PMID: 11704759, 18759865, 30868567, 30896080). Therefore, this variant is classified as Pathogenic according to the recommendation of ACMG/AMP guideline.

Genetics and Molecular Pathology, SA Pathology
Classification: Pathogenic for Noonan syndrome 1. Last evaluated: 2022-04-13. Review status: criteria provided, single submitter. Criteria: ACMG Guidelines, 2015. Collection method: clinical testing. Allele origin: germline. Affected: yes.

GeneDx
Classification: Pathogenic. Last evaluated: 2022-01-31. Review status: criteria provided, single submitter. Criteria: GeneDx Variant Classification Process June 2021. Collection method: clinical testing. Allele origin: germline. Affected: yes.
Comment: Published functional studies demonstrate increased activation of ERK1/2 (Sun et al., 2018); The majority of missense variants in this gene are considered pathogenic (HGMD); In silico analysis supports that this missense variant has a deleterious effect on protein structure/function; Not observed at significant frequency in large population cohorts (gnomAD); This variant is associated with the following publications: (PMID: 15956085, 12960218, 34241941, 34728626, 11992261, 15928039, 19020799, 11704759, 24803665, 30355600, 30541462, 30417923, 26918529, 29907801, 31219622, 31560489, 32164556, 9491886, 16053901, 29493581, 29568093, 31785789)

Genome Diagnostics Laboratory, The Hospital for Sick Children
Classification: Pathogenic for Noonan syndrome and Noonan-related syndrome. Last evaluated: 2021-05-05. Review status: criteria provided, single submitter. Criteria: ACMG Guidelines, 2015. Collection method: clinical testing. Allele origin: germline. Affected: yes.

CeGaT Center for Human Genetics Tuebingen
Classification: Pathogenic. Last evaluated: 2021-04-01. Review status: criteria provided, single submitter. Criteria: CeGaT Center For Human Genetics Tuebingen Variant Classification Criteria Version 2. Collection method: clinical testing. Allele origin: germline. Affected: yes. Observed: 2 variant alleles.

Baylor Genetics
Classification: Pathogenic for Noonan syndrome 1. Last evaluated: 2020-02-20. Review status: criteria provided, single submitter. Criteria: ACMG Guidelines, 2015. Collection method: clinical testing. Allele origin: unknown. Affected: yes.
Comment: This variant was determined to be pathogenic according to ACMG Guidelines, 2015 [PMID:25741868].

HudsonAlpha Institute for Biotechnology
Classification: Likely pathogenic for Noonan syndrome 1. Last evaluated: 2020-01-21. Review status: criteria provided, single submitter. Criteria: ACMG Guidelines, 2015. Collection method: research. Allele origin: unknown. Affected: yes. Observed: 1 variant allele. Study: CSER-SouthSeq.
Comment: ACMG codes: PS4M, PM2, PP3, PP5

Mayo Clinic Laboratories, Mayo Clinic
Classification: Pathogenic. Last evaluated: 2019-04-22. Review status: criteria provided, single submitter. Criteria: ACMG Guidelines, 2015. Collection method: clinical testing. Allele origin: germline. Observed: 1 variant allele.
Comment: PS4, PM1, PM2, PM6_Strong, PP2, PP3

Clinical Molecular Genetics Laboratory, Johns Hopkins All Children's Hospital
Classification: Pathogenic for Noonan syndrome. Last evaluated: 2019-03-29. Review status: criteria provided, single submitter. Criteria: ACMG Guidelines, 2015. Collection method: clinical testing. Allele origin: germline. Inheritance: Autosomal dominant inheritance. Affected: yes. Observed: 1 heterozygote.

Ambry Genetics
Classification: Pathogenic for Cardiovascular phenotype. Last evaluated: 2018-06-11. Review status: criteria provided, single submitter. Criteria: Ambry Variant Classification Scheme 2023. Collection method: clinical testing. Allele origin: germline.
Comment: The p.A72G pathogenic mutation (also known as c.215C>G), located in coding exon 3 of the PTPN11 gene, results from a C to G substitution at nucleotide position 215. The alanine at codon 72 is replaced by glycine, an amino acid with similar properties. This mutation is located between the SH2 and PTP domains of PTPN11 and been detected in several individuals with clinically diagnosed Noonan syndrome (Tartaglia M et al. Am. J. Hum. Genet., 2002 Jun;70:1555-63; Ko JM et al. J. Hum. Genet., 2008 Dec;53:999-1006), one of which was a de novo occurrence; however, paternity was not confirmed (Ferreira LV et al. J. Clin. Endocrinol. Metab., 2005 Sep;90:5156-60). Based on the supporting evidence, this alteration is interpreted as a disease-causing mutation.

Laboratory for Molecular Medicine, Mass General Brigham Personalized Medicine
Classification: Pathogenic for Noonan syndrome. Last evaluated: 2018-03-20. Review status: criteria provided, single submitter. Criteria: LMM Criteria. Collection method: clinical testing. Allele origin: germline. Inheritance: Autosomal dominant inheritance. Observed: 8 variant alleles.
Comment: The p.Ala72Gly variant in PTPN11 has been previously identified in >10 individua ls with clinical features of Noonan syndrome (Tartaglia 2001, Sarkozy 2003, Ferr eira 2005, Kratz 2005, Ko 2008, LMM data) and 1 individual with Noonan syndrome and myeloproliferative disorder (Kratz 2005). This variant was reported to have occurred de novo in at least four of these individuals (Ferreira 2005, LMM data) . It was absent from large population studies. This variant has also been report ed in ClinVar (Variation ID 13325). Several other variants involving this codon (p.Ala72Pro, p.Ala72Thr, p.Ala72Ser, p.Ala72Val) have been reported as pathogen ic. In summary, this variant meets criteria to be classified as pathogenic for N oonan in an autosomal dominant manner based upon case observations, de novo occu rrences, presence of other pathogenic variants at this codon, and absence from c ontrols. ACMG/AMP Criteria applied: PS4; PM5_Strong; PM6_Strong; PM2.

Fulgent Genetics
Classification: Pathogenic for LEOPARD syndrome 1; Metachondromatosis; Noonan syndrome 1; Juvenile myelomonocytic leukemia. Last evaluated: 2017-05-18. Review status: criteria provided, single submitter. Criteria: ACMG Guidelines, 2015. Collection method: clinical testing. Allele origin: unknown.

Clinical Genetics Service, Universitary Hospital 12 de Octubre
Classification: Pathogenic for Noonan syndrome 1. Review status: criteria provided, single submitter. Criteria: ACMG Guidelines, 2015. Collection method: clinical testing. Allele origin: germline. Affected: yes.

Juno Genomics, Hangzhou Juno Genomics, Inc
Classification: Pathogenic for LEOPARD syndrome 1; Juvenile myelomonocytic leukemia; Metachondromatosis; Noonan syndrome 1. Review status: criteria provided, single submitter. Criteria: ACMG Guidelines, 2015. Collection method: clinical testing. Allele origin: germline. Affected: yes.
Comment: Absent from controls (or at extremely low frequency if recessive) in Genome Aggregation Database.;Multiple lines of computational evidence support a deleterious effect on the gene or gene product.;Missense variant in a gene that has a low rate of benign missense variation.;The prevalence of the variant in affected individuals is significantly increased compared to the prevalence in controls.;Assumed de novo, but without confirmation of paternity and maternity.;Novel missense change at an amino acid residue where a different missense change determined to be pathogenic has been seen before.

Greenwood Genetic Center Diagnostic Laboratories, Greenwood Genetic Center
Classification: Pathogenic. Last evaluated: 2015-01-15. Review status: no assertion criteria provided. Collection method: clinical testing. Allele origin: germline. Not counted in ClinVar's aggregate classification.